The following is an entry in ClinVar:

NM_007194.4(CHEK2):c.1547C>T (p.Ser516Phe)

Gene: CHEK2 (checkpoint kinase 2; minus strand). Cytogenetic location: 22q12.1.
Variant type: single nucleotide variant.
Coding change: c.1547C>T on transcript NM_007194.4 (MANE Select); coding-DNA position 1547, C replaced by T.
Protein change: p.Ser516Phe; replaces serine 516 with phenylalanine.
Molecular consequence: missense variant.
Genome position (GRCh38, 1-based): chr22:28,687,982, G>A on the plus strand (C>T on the coding strand, the complement: CHEK2 is on the minus strand). VCF-style: chr22-28687982-G-A. GRCh37 (hg19) VCF-style: chr22-29083970-G-A.
Other names: c.1676C>T, p.Ser559Phe (NM_001005735.3); c.884C>T, p.Ser295Phe (NM_001257387.3); c.1346C>T, p.Ser449Phe (NM_001349956.3); c.1460C>T, p.Ser487Phe (NM_145862.3); short protein forms S516F, S559F, S295F, S449F, S487F.
Identifiers: ClinVar variation 1474867 (VCV001474867.10), dbSNP rs1601698243, ClinGen allele CA411091480.

ClinVar aggregate classification (germline): Uncertain significance. Review status: criteria provided, multiple submitters, no conflicts (2 of 4 stars). 2 submissions from 2 submitters: Uncertain significance (2). Last evaluated 2025-01-05.

Conditions:
Hereditary cancer-predisposing syndrome. Also called: Neoplastic Syndromes, Hereditary; Hereditary Cancer Syndrome; Tumor predisposition; Hereditary neoplastic syndrome. Identifiers: Orphanet 140162, MedGen C0027672, MeSH D009386, MONDO:0015356.
Familial cancer of breast. Also called: hereditary breast carcinoma; BREAST CANCER, FAMILIAL; Hereditary breast cancer. Identifiers: Orphanet 227535, MedGen C0346153, MONDO:0016419, OMIM 114480. Disease mechanism: loss of function.

Submissions (2):

Ambry Genetics
Classification: Uncertain significance for Hereditary cancer-predisposing syndrome. Last evaluated: 2025-01-05. Review status: criteria provided, single submitter. Criteria: Ambry Variant Classification Scheme 2023. Collection method: clinical testing. Allele origin: germline.
Comment: The p.S516F variant (also known as c.1547C>T), located in coding exon 14 of the CHEK2 gene, results from a C to T substitution at nucleotide position 1547. The serine at codon 516 is replaced by phenylalanine, an amino acid with highly dissimilar properties. This amino acid position is conserved. In addition, this alteration is predicted to be tolerated by in silico analysis. Based on the available evidence, the clinical significance of this variant remains unclear.

Labcorp Genetics (formerly Invitae), Labcorp
Classification: Uncertain significance for Familial cancer of breast. Last evaluated: 2021-01-12. Review status: criteria provided, single submitter. Criteria: Invitae Variant Classification Sherloc (09022015). Collection method: clinical testing. Allele origin: germline.
Comment: In summary, the available evidence is currently insufficient to determine the role of this variant in disease. Therefore, it has been classified as a Variant of Uncertain Significance. Algorithms developed to predict the effect of missense changes on protein structure and function are either unavailable or do not agree on the potential impact of this missense change (SIFT: "Deleterious"; PolyPhen-2: "Benign"; Align-GVGD: "Class C0"). This variant has not been reported in the literature in individuals with CHEK2-related conditions. This variant is not present in population databases (ExAC no frequency). This sequence change replaces serine with phenylalanine at codon 516 of the CHEK2 protein (p.Ser516Phe). The serine residue is moderately conserved and there is a large physicochemical difference between serine and phenylalanine.